The following is an entry in ClinVar:

NM_001136193.2(FASTKD2):c.1898+74G>A

Gene: FASTKD2 (FAST kinase domains 2; plus strand). Cytogenetic location: 2q33.3.
Variant type: single nucleotide variant.
Coding change: c.1898+74G>A on transcript NM_001136193.2 (MANE Select); 74 bases into the intron after coding-DNA position 1898, G replaced by A.
Molecular consequence: intron variant.
Genome position (GRCh38, 1-based): chr2:206,788,977, G>A. VCF-style: chr2-206788977-G-A. GRCh37 (hg19) VCF-style: chr2-207653701-G-A.
Other names: c.1898+74G>A (NM_001136194.2, NM_014929.4).
Identifiers: ClinVar variation 671652 (VCV000671652.2), dbSNP rs13393291, ClinGen allele CA2075301.

ClinVar aggregate classification (germline): Benign. Review status: criteria provided, multiple submitters, no conflicts (2 of 4 stars). 2 submissions from 2 submitters: Benign (2). Last evaluated 2018-06-14.

Allele frequency attached by ClinVar (database versions not stated): gnomAD exomes 0.00182 and 0.00392; ExAC 0.00696; gnomAD 0.01445 and 0.01553; 1000 Genomes Project 0.01597; TOPMed 0.01641; 1000 Genomes Project 30x 0.01671.
gnomAD v4.1: 3,461 of 811,566 alleles (0.43%); highest among the groups gnomAD compares: African/African-American, 5%; 81 homozygotes.

Submissions (2):

GeneDx
Classification: Benign. Last evaluated: 2018-06-14. Review status: criteria provided, single submitter. Criteria: GeneDx Variant Classification (06012015). Collection method: clinical testing. Allele origin: germline. Affected: yes.
Comment: This variant is considered likely benign or benign based on one or more of the following criteria: it is a conservative change, it occurs at a poorly conserved position in the protein, it is predicted to be benign by multiple in silico algorithms, and/or has population frequency not consistent with disease.

Breakthrough Genomics
Classification: Benign. Review status: criteria provided, single submitter. Criteria: ACMG Guidelines, 2015. Collection method: not provided. Allele origin: germline. Inheritance: Autosomal recessive inheritance. Affected: yes.